The following is an entry in ClinVar:

NM_144573.4(NEXN):c.*4CT[1]

Gene: NEXN (nexilin F-actin binding protein; plus strand). Cytogenetic location: 1p31.1.
Variant type: Microsatellite.
Coding change: c.*4CT[1] on transcript NM_144573.4 (MANE Select); one copy of the 2-base unit CT starting at c.*4; the reference has two copies in a row; one copy, 2 bases deleted.
Molecular consequence: 3 prime UTR variant.
Genome position (GRCh38, 1-based): chr1:77,942,835-77,942,836, CT deleted; deleting any 2 consecutive bases within chr1:77,942,833-77,942,836 gives the same sequence; the position shown is the placement nearest the transcript's 3' end. VCF-style (leftmost placement, unchanged base first): chr1-77942832-ACT-A. GRCh37 (hg19) VCF-style: chr1-78408517-ACT-A.
Other names: c.*4CT[1] (NM_001172309.2); c.*6_*7delCT (NM_144573.4).
Identifiers: ClinVar variation 298092 (VCV000298092.10), dbSNP rs553696163, ClinGen allele CA919024.

ClinVar aggregate classification (germline): Conflicting classifications of pathogenicity. Review status: criteria provided, conflicting classifications (1 of 4 stars). 4 submissions from 4 submitters: Uncertain significance (1); Benign (1); Likely benign (2). Last evaluated 2025-03-05.

Conditions:
Cardiomyopathy (CMYO). Also called: Cardiomyopathies. Identifiers: Orphanet 167848, MedGen C0878544, MONDO:0004994, HP:0001638. Inheritance: Various modes of inheritance.

Submissions (4):

Mayo Clinic Laboratories, Mayo Clinic
Classification: Likely benign. Last evaluated: 2025-03-05. Review status: criteria provided, single submitter. Criteria: ACMG Guidelines, 2015. Collection method: clinical testing. Allele origin: germline. Observed: 1 variant allele.
Comment: BS1, BP4, BP7

Women's Health and Genetics/Laboratory Corporation of America, LabCorp
Classification: Benign. Last evaluated: 2024-06-17. Review status: criteria provided, single submitter. Criteria: LabCorp Variant Classification Summary - May 2015. Collection method: clinical testing. Allele origin: germline.

GeneDx
Classification: Likely benign. Last evaluated: 2018-09-11. Review status: criteria provided, single submitter. Criteria: GeneDx Variant Classification Process June 2021. Collection method: clinical testing. Allele origin: germline. Affected: yes.

CHEO Genetics Diagnostic Laboratory, Children's Hospital of Eastern Ontario
Classification: Uncertain significance for Cardiomyopathy. Last evaluated: 2017-02-03. Review status: criteria provided, single submitter. Criteria: ACMG Guidelines, 2015. Collection method: clinical testing. Allele origin: germline. Study: Canadian Open Genetics Repository.